The following is an entry in ClinVar:

NM_014908.4(DOLK):c.1190A>G (p.Asp397Gly)

Gene: DOLK (dolichol kinase; minus strand). Cytogenetic location: 9q34.11.
Variant type: single nucleotide variant.
Coding change: c.1190A>G on transcript NM_014908.4 (MANE Select); coding-DNA position 1190, A replaced by G.
Protein change: p.Asp397Gly; replaces aspartic acid 397 with glycine.
Molecular consequence: missense variant.
Genome position (GRCh38, 1-based): chr9:128,946,114, T>C on the plus strand (A>G on the coding strand, the complement: DOLK is on the minus strand). VCF-style: chr9-128946114-T-C. GRCh37 (hg19) VCF-style: chr9-131708393-T-C.
Other names: short protein forms D397G.
Identifiers: ClinVar variation 835990 (VCV000835990.14), dbSNP rs753795845, ClinGen allele CA5271612.

ClinVar aggregate classification (germline): Uncertain significance. Review status: criteria provided, multiple submitters, no conflicts (2 of 4 stars). 3 submissions from 3 submitters: Uncertain significance (3). Last evaluated 2024-11-13.

Conditions:
DK1-congenital disorder of glycosylation. Also called: CONGENITAL DISORDER OF GLYCOSYLATION, TYPE Im; CDG Im; DK1 DEFICIENCY; DOLICHOL KINASE DEFICIENCY; DK1-CDG; DOLK-congenital disorder of glycosylation. Identifiers: Orphanet 91131, MedGen C1835849, MONDO:0012556, OMIM 610768.
Cardiovascular phenotype. Identifiers: MedGen CN230736.

Allele frequency attached by ClinVar (database versions not stated): TOPMed below 0.00001; ExAC 0.00001; gnomAD 0.00001; gnomAD exomes 0.00001.

Submissions (3):

Ambry Genetics
Classification: Uncertain significance for Cardiovascular phenotype. Last evaluated: 2024-11-13. Review status: criteria provided, single submitter. Criteria: Ambry Variant Classification Scheme 2023. Collection method: clinical testing. Allele origin: germline.
Comment: The p.D397G variant (also known as c.1190A>G), located in coding exon 1 of the DOLK gene, results from an A to G substitution at nucleotide position 1190. The aspartic acid at codon 397 is replaced by glycine, an amino acid with similar properties. This amino acid position is conserved. In addition, this alteration is predicted to be deleterious by in silico analysis. Since supporting evidence is limited at this time, the clinical significance of this alteration remains unclear.

Blueprint Genetics
Classification: Uncertain significance. Last evaluated: 2022-06-24. Review status: criteria provided, single submitter. Criteria: ACMG Guidelines, 2015. Collection method: clinical testing. Allele origin: germline.

Labcorp Genetics (formerly Invitae), Labcorp
Classification: Uncertain significance for DK1-congenital disorder of glycosylation. Last evaluated: 2019-04-12. Review status: criteria provided, single submitter. Criteria: Invitae Variant Classification Sherloc (09022015). Collection method: clinical testing. Allele origin: germline.
Comment: This sequence change replaces aspartic acid with glycine at codon 397 of the DOLK protein (p.Asp397Gly). The aspartic acid residue is highly conserved and there is a moderate physicochemical difference between aspartic acid and glycine. Algorithms developed to predict the effect of missense changes on protein structure and function (SIFT, PolyPhen-2, Align-GVGD) all suggest that this variant is likely to be disruptive, but these predictions have not been confirmed by published functional studies and their clinical significance is uncertain. In summary, the available evidence is currently insufficient to determine the role of this variant in disease. Therefore, it has been classified as a Variant of Uncertain Significance. This variant is present in population databases (rs753795845, ExAC 0.001%). This variant has not been reported in the literature in individuals with DOLK-related conditions.